The following is an entry in ClinVar:

NM_004301.5(ACTL6A):c.1263G>A (p.Lys421=)

Gene: ACTL6A (actin like 6A; plus strand). Cytogenetic location: 3q26.33.
Variant type: single nucleotide variant.
Coding change: c.1263G>A on transcript NM_004301.5 (MANE Select); coding-DNA position 1263, G replaced by A.
Protein change: p.Lys421=; no amino-acid change (lysine 421 retained).
Molecular consequence: synonymous variant.
Genome position (GRCh38, 1-based): chr3:179,587,983, G>A. VCF-style: chr3-179587983-G-A. GRCh37 (hg19) VCF-style: chr3-179305771-G-A.
Other names: c.1137G>A, p.Lys379= (NM_177989.4, NM_178042.4).
Identifiers: ClinVar variation 4534583 (VCV004534583.6).

ClinVar aggregate classification (germline): Likely benign (1 of 4 stars; one submission).

Submission:

CeGaT Center for Human Genetics Tuebingen
Classification: Likely benign. Last evaluated: 2025-10-01. Review status: criteria provided, single submitter. Criteria: CeGaT Center For Human Genetics Tuebingen Variant Classification Criteria Version 2. Collection method: clinical testing. Allele origin: germline. Affected: yes. Observed: 1 variant allele.
Comment: ACTL6A: PM2:Supporting, BP4, BP7